The following is an entry in ClinVar:

ClinVar aggregate classification (germline): Likely benign. Review status: criteria provided, multiple submitters, no conflicts (2 of 4 stars). 2 submissions from 2 submitters: Likely benign (2). Last evaluated 2024-08-01.

Conditions:
Inborn genetic diseases. Identifiers: MedGen C0950123, MeSH D030342.

Allele frequency attached by ClinVar (database versions not stated): gnomAD exomes 0.00003; ExAC 0.00006; 1000 Genomes Project 0.00020; 1000 Genomes Project 30x 0.00031.
gnomAD v4.1: 50 of 1,614,170 alleles (0.0031%); highest among the groups gnomAD compares: South Asian, 0.037%; no homozygotes.

Submissions (2):

CeGaT Center for Human Genetics Tuebingen
Classification: Likely benign. Last evaluated: 2024-08-01. Review status: criteria provided, single submitter. Criteria: CeGaT Center For Human Genetics Tuebingen Variant Classification Criteria Version 2. Collection method: clinical testing. Allele origin: germline. Affected: yes. Observed: 1 variant allele.
Comment: RHOBTB2: BS2

Ambry Genetics
Classification: Likely benign for Inborn genetic diseases. Last evaluated: 2023-10-16. Review status: criteria provided, single submitter. Criteria: Ambry Variant Classification Scheme 2023. Collection method: clinical testing. Allele origin: germline.

NM_015178.3(RHOBTB2):c.1279C>T (p.Arg427Trp)

Gene: RHOBTB2 (Rho related BTB domain containing 2; plus strand). Cytogenetic location: 8p21.3.
Variant type: single nucleotide variant.
Coding change: c.1279C>T on transcript NM_015178.3 (MANE Select); coding-DNA position 1279, C replaced by T.
Protein change: p.Arg427Trp; replaces arginine 427 with tryptophan.
Molecular consequence: missense variant.
Genome position (GRCh38, 1-based): chr8:23,007,524, C>T. VCF-style: chr8-23007524-C-T. GRCh37 (hg19) VCF-style: chr8-22865037-C-T.
Other names: c.1345C>T, p.Arg449Trp (NM_001160036.2); c.1300C>T, p.Arg434Trp (NM_001160037.2); c.1279C>T, p.Arg427Trp (NM_001374791.1); short protein forms R449W, R427W, R434W.
Identifiers: ClinVar variation 3154056 (VCV003154056.17), dbSNP rs559501371, ClinGen allele CA4672641.
Genomic context (GRCh38, chr8:23,007,524, plus strand): 5'-TACAAATCCCGGCTGATGGTGGTGGTGAAGATGGACAGTTCCATCCAGCCGGGGCCCTTC[C>T]GGGCTGTCCTCAAGTACCTGTACACGGGGGAGCTAGATGAGAACGAGCGTGACCTCATGC-3'
Protein context (NP_055993.2, residues 417-437): MDSSIQPGPF[Arg427Trp]AVLKYLYTGE